The following is an entry in ClinVar:

NM_015570.4(AUTS2):c.754G>T (p.Gly252Cys)

Gene: AUTS2 (activator of transcription and developmental regulator AUTS2; plus strand). Cytogenetic location: 7q11.22.
Variant type: single nucleotide variant.
Coding change: c.754G>T on transcript NM_015570.4 (MANE Select); coding-DNA position 754, G replaced by T.
Protein change: p.Gly252Cys; replaces glycine 252 with cysteine.
Molecular consequence: missense variant.
Genome position (GRCh38, 1-based): chr7:70,762,881, G>T. VCF-style: chr7-70762881-G-T. GRCh37 (hg19) VCF-style: chr7-70227867-G-T.
Other names: c.754G>T, p.Gly252Cys (NM_001127231.3); short protein forms G252C.
Identifiers: ClinVar variation 4820332 (VCV004820332.1).

ClinVar aggregate classification (germline): Likely benign (1 of 4 stars; one submission).

Conditions:
Autism spectrum disorder due to AUTS2 deficiency (MRD26). Also called: INTELLECTUAL DEVELOPMENTAL DISORDER, AUTOSOMAL DOMINANT 26. Identifiers: Orphanet 352490, MedGen C4014435, MONDO:0014361, OMIM 615834.

gnomAD v4.1: 6 of 1,612,772 alleles (0.00037%); highest among the groups gnomAD compares: South Asian, 0.0066%; no homozygotes.

Submission:

Centre for Medical Genetics,  Mumbai
Classification: Likely benign for Autism spectrum disorder due to AUTS2 deficiency. Last evaluated: 2026-01-20. Review status: criteria provided, single submitter. Criteria: ACMG Guidelines, 2015. Collection method: provider interpretation. Allele origin: germline. Inheritance: Autosomal dominant inheritance. Affected: no. Observed: 1 variant allele, 1 heterozygote.
Comment: The variant satisfies PM2 criteria; Extremely low frequency in gnomAD population databases. However, the variant satisfies BS2 criteria.

Literature cited by the submitters: PubMed 23332918.